The following is an entry in ClinVar:

ClinVar aggregate classification (germline): Uncertain significance. Review status: criteria provided, multiple submitters, no conflicts (2 of 4 stars). 2 submissions from 2 submitters: Uncertain significance (2). Last evaluated 2022-10-12.

Conditions:
Inborn genetic diseases. Identifiers: MedGen C0950123, MeSH D030342.

Allele frequency attached by ClinVar (database versions not stated): gnomAD exomes below 0.00001.
gnomAD v4.1: 2 of 1,610,996 alleles (0.00012%); highest among the groups gnomAD compares: Non-Finnish European, 0.00017%; no homozygotes.

Submissions (2):

Ambry Genetics
Classification: Uncertain significance for Inborn genetic diseases. Last evaluated: 2022-10-12. Review status: criteria provided, single submitter. Criteria: Ambry Variant Classification Scheme 2023. Collection method: clinical testing. Allele origin: germline.

GeneDx
Classification: Uncertain significance. Last evaluated: 2022-05-16. Review status: criteria provided, single submitter. Criteria: GeneDx Variant Classification Process June 2021. Collection method: clinical testing. Allele origin: germline. Affected: yes.
Comment: Not observed at significant frequency in large population cohorts (gnomAD); In silico analysis supports that this missense variant has a deleterious effect on protein structure/function; Has not been previously published as pathogenic or benign to our knowledge

NM_020937.4(FANCM):c.791T>C (p.Ile264Thr)

Gene: FANCM (FA complementation group M; plus strand). Cytogenetic location: 14q21.2.
Variant type: single nucleotide variant.
Coding change: c.791T>C on transcript NM_020937.4 (MANE Select); coding-DNA position 791, T replaced by C.
Protein change: p.Ile264Thr; replaces isoleucine 264 with threonine.
Molecular consequence: missense variant.
Genome position (GRCh38, 1-based): chr14:45,148,868, T>C. VCF-style: chr14-45148868-T-C. GRCh37 (hg19) VCF-style: chr14-45618071-T-C.
Other names: c.713T>C, p.Ile238Thr (NM_001308133.2); c.791T>C, p.Ile264Thr (NM_001308134.2); short protein forms I238T, I264T.
Identifiers: ClinVar variation 1800653 (VCV001800653.4), dbSNP rs2503084096, ClinGen allele CA389589830.